The following is an entry in ClinVar:

NM_000057.4(BLM):c.1007G>A (p.Ser336Asn)

Gene: BLM (BLM RecQ like helicase; plus strand). Cytogenetic location: 15q26.1.
Variant type: single nucleotide variant.
Coding change: c.1007G>A on transcript NM_000057.4 (MANE Select); coding-DNA position 1007, G replaced by A.
Protein change: p.Ser336Asn; replaces serine 336 with asparagine.
Molecular consequence: missense variant. On other transcripts: 5 prime UTR variant (1).
Genome position (GRCh38, 1-based): chr15:90,754,858, G>A. VCF-style: chr15-90754858-G-A. GRCh37 (hg19) VCF-style: chr15-91298088-G-A.
Other names: c.1007G>A (NM_000057.2); c.1007G>A, p.Ser336Asn (NM_001287246.2, NM_001287247.2); c.-285G>A (NM_001287248.2); short protein forms S336N.
Identifiers: ClinVar variation 1402886 (VCV001402886.7), dbSNP rs2151152181, ClinGen allele CA393842083.

ClinVar aggregate classification (germline): Uncertain significance. Review status: criteria provided, multiple submitters, no conflicts (2 of 4 stars). 2 submissions from 2 submitters: Uncertain significance (2). Last evaluated 2025-06-01.

Conditions:
Bloom syndrome (BLM). Also called: Bloom-Torre-Machacek syndrome. Identifiers: Orphanet 125, MedGen C0005859, MONDO:0008876, OMIM 210900.
Hereditary cancer-predisposing syndrome. Also called: Hereditary neoplastic syndrome; Hereditary Cancer Syndrome; Neoplastic Syndromes, Hereditary; Tumor predisposition. Identifiers: Orphanet 140162, MedGen C0027672, MeSH D009386, MONDO:0015356.

gnomAD v4.1: 2 of 1,613,858 alleles (0.00012%); highest among the groups gnomAD compares: Admixed American, 0.0033%; no homozygotes.

Submissions (2):

Labcorp Genetics (formerly Invitae), Labcorp
Classification: Uncertain significance for Bloom syndrome. Last evaluated: 2025-06-01. Review status: criteria provided, single submitter. Criteria: Invitae Variant Classification Sherloc (09022015). Collection method: clinical testing. Allele origin: germline.
Comment: This sequence change replaces serine, which is neutral and polar, with asparagine, which is neutral and polar, at codon 336 of the BLM protein (p.Ser336Asn). This variant is not present in population databases (gnomAD no frequency). This variant has not been reported in the literature in individuals affected with BLM-related conditions. ClinVar contains an entry for this variant (Variation ID: 1402886). An algorithm developed to predict the effect of missense changes on protein structure and function outputs the following: PolyPhen-2: "Benign". The asparagine amino acid residue is found in multiple mammalian species, which suggests that this missense change does not adversely affect protein function. In summary, the available evidence is currently insufficient to determine the role of this variant in disease. Therefore, it has been classified as a Variant of Uncertain Significance.

Ambry Genetics
Classification: Uncertain significance for Hereditary cancer-predisposing syndrome. Last evaluated: 2023-09-27. Review status: criteria provided, single submitter. Criteria: Ambry Variant Classification Scheme 2023. Collection method: clinical testing. Allele origin: germline.
Comment: The p.S336N variant (also known as c.1007G>A), located in coding exon 4 of the BLM gene, results from a G to A substitution at nucleotide position 1007. The serine at codon 336 is replaced by asparagine, an amino acid with highly similar properties. This amino acid position is conserved. In addition, this alteration is predicted to be tolerated by in silico analysis. Since supporting evidence is limited at this time, the clinical significance of this alteration remains unclear.